The following is an entry in ClinVar:

Conditions:
Breast-ovarian cancer, familial, susceptibility to, 1 (BROVCA1). Also called: BRCA1 Hereditary Breast and Ovarian Cancer; OVARIAN CANCER, SUSCEPTIBILITY TO. Identifiers: Orphanet 145, MedGen C2676676, MONDO:0011450, OMIM 604370. Disease mechanism: loss of function.

Submission:

Brotman Baty Institute, University of Washington
No classification provided (evidence only). Condition: Breast-ovarian cancer, familial 1. Review status: no classification provided. Collection method: in vitro. Allele origin: not applicable. Functional consequence: functionally_normal.
ClinVar note: "not provided" was previously submitted as the classification for the variant. However, the classification appeared to be based only on an observation of functional data so it was converted to no classification on 2025-07-30.

NM_007294.4(BRCA1):c.201T>A (p.Asp67Glu)

Gene: BRCA1 (BRCA1 DNA repair associated; minus strand). Cytogenetic location: 17q21.31.
Variant type: single nucleotide variant.
Coding change: c.201T>A on transcript NM_007294.4 (MANE Select); coding-DNA position 201, T replaced by A.
Protein change: p.Asp67Glu; replaces aspartic acid 67 with glutamic acid.
Molecular consequence: missense variant.
Genome position (GRCh38, 1-based): chr17:43,106,467, A>T on the plus strand (T>A on the coding strand, the complement: BRCA1 is on the minus strand). VCF-style: chr17-43106467-A-T. GRCh37 (hg19) VCF-style: chr17-41258484-A-T.
Other names: c.201T>A, p.Asp67Glu (NM_001407581.1, NM_001407582.1, NM_001407583.1 and 168 more transcripts); c.60T>A, p.Asp20Glu (NM_001407692.1, NM_001407694.1, NM_001407695.1 and 99 more transcripts); short protein forms D20E, D67E.
Identifiers: ClinVar variation 867327 (VCV000867327.3), dbSNP rs80357033, ClinGen allele CA10601765.